The following is an entry in ClinVar:

NM_001006658.3(CR2):c.2596T>C (p.Ser866Pro)

Gene: CR2 (complement C3d receptor 2; plus strand). Cytogenetic location: 1q32.2.
Variant type: single nucleotide variant.
Coding change: c.2596T>C on transcript NM_001006658.3 (MANE Select); coding-DNA position 2596, T replaced by C.
Protein change: p.Ser866Pro; replaces serine 866 with proline.
Molecular consequence: missense variant.
Genome position (GRCh38, 1-based): chr1:207,475,096, T>C. VCF-style: chr1-207475096-T-C. GRCh37 (hg19) VCF-style: chr1-207648441-T-C.
Other names: c.2419T>C, p.Ser807Pro (NM_001877.5); short protein forms S807P, S866P.
Identifiers: ClinVar variation 1915206 (VCV001915206.4), dbSNP rs759686481, ClinGen allele CA1369010.

ClinVar aggregate classification (germline): Uncertain significance (1 of 4 stars; one submission).

Conditions:
Immunodeficiency, common variable, 7. Identifiers: Orphanet 1572, Orphanet 696894, MedGen C3542922, MONDO:0013862, OMIM 614699.

Allele frequency attached by ClinVar (database versions not stated): gnomAD exomes 0.00002; TOPMed 0.00002; ExAC 0.00001; gnomAD 0.00003.
gnomAD v4.1: 33 of 1,612,350 alleles (0.002%); highest among the groups gnomAD compares: African/African-American, 0.0027%; no homozygotes.

Submission:

Labcorp Genetics (formerly Invitae), Labcorp
Classification: Uncertain significance for Immunodeficiency, common variable, 7. Last evaluated: 2024-04-09. Review status: criteria provided, single submitter. Criteria: Invitae Variant Classification Sherloc (09022015). Collection method: clinical testing. Allele origin: germline.
Comment: This sequence change replaces serine, which is neutral and polar, with proline, which is neutral and non-polar, at codon 866 of the CR2 protein (p.Ser866Pro). This variant is present in population databases (rs759686481, gnomAD 0.007%). This variant has not been reported in the literature in individuals affected with CR2-related conditions. ClinVar contains an entry for this variant (Variation ID: 1915206). An algorithm developed to predict the effect of missense changes on protein structure and function (PolyPhen-2) suggests that this variant is likely to be tolerated. In summary, the available evidence is currently insufficient to determine the role of this variant in disease. Therefore, it has been classified as a Variant of Uncertain Significance.